The following continues an entry in ClinVar:

NM_007294.4(BRCA1):c.66dup (p.Glu23fs)

Gene: BRCA1. ClinVar aggregate classification (germline): Pathogenic. Pathogenic (1).

Submissions 9 to 26 of 45:

Fulgent Genetics
Classification: Pathogenic for Breast-ovarian cancer, familial, susceptibility to, 1; Pancreatic cancer, susceptibility to, 4; Fanconi anemia, complementation group S. Last evaluated: 2024-04-16. Review status: criteria provided, single submitter. Criteria: ACMG Guidelines, 2015. Collection method: clinical testing. Allele origin: germline. Not counted in ClinVar's aggregate classification.

Baylor Genetics
Classification: Pathogenic for Breast-ovarian cancer, familial, susceptibility to, 1. Last evaluated: 2023-11-08. Review status: criteria provided, single submitter. Criteria: ACMG Guidelines, 2015. Collection method: clinical testing. Allele origin: unknown. Not counted in ClinVar's aggregate classification.

Color Diagnostics, LLC DBA Color Health
Classification: Pathogenic for Hereditary cancer-predisposing syndrome. Last evaluated: 2023-10-10. Review status: criteria provided, single submitter. Criteria: ACMG Guidelines, 2015. Collection method: clinical testing. Allele origin: germline. Not counted in ClinVar's aggregate classification.
Comment: This variant inserts 1 nucleotide in exon 2 of the BRCA1 gene, creating a frameshift and premature translation stop signal. This variant is expected to result in an absent or non-functional protein product. This variant has been reported in at least 10 Individuals affected with breast and ovarian cancer and in a breast cancer case-control meta-analysis in 3 cases and 1 unaffected individual (PMID: 8595420, 11606101, 12181777, 18627636, 20189727, 20950396, 27257965, 28993434, 29152070, 29470806, 33471991, 35918668; Leiden Open Variation Database DB-ID BRCA1_001098), and in suspected hereditary breast and ovarian cancer families (PMID: 10952777, 16683254, 16998791, 21559243, 24916970, 25863477, 29176636, 29339979, 29907814). This variant also has been reported in an individual affected with melanoma (PMID: 29433453). This variant has not been identified in the general population by the Genome Aggregation Database (gnomAD). Loss of BRCA1 function is a known mechanism of disease. Based on the available evidence, this variant is classified as Pathogenic.

KCCC/NGS Laboratory, Kuwait Cancer Control Center
Classification: Pathogenic for Breast-ovarian cancer, familial, susceptibility to, 1. Last evaluated: 2023-08-20. Review status: criteria provided, single submitter. Criteria: ACMG Guidelines, 2015. Collection method: clinical testing. Allele origin: germline. Inheritance: Autosomal dominant inheritance. Affected: yes. Observed: 1 heterozygote. Not counted in ClinVar's aggregate classification.
Comment: This sequence change creates a premature translational stop signal (p.Glu23Argfs*18) in the BRCA1 gene. It is expected to result in an absent or disrupted protein product. Loss-of-function variants in BRCA1 are known to be pathogenic (PMID: 20104584). This variant is not present in population databases (gnomAD no frequency). This premature translational stop signal has been observed in individual(s) with breast and/or ovarian cancer (PMID: 8595420, 12181777, 16998791, 20189727, 24916970). This variant is also known as 185insA. ClinVar contains an entry for this variant (Variation ID: 37691) classified as pathogenic , reviewed by expert panel. For these reasons, this variant has been classified as Pathogenic.

Quest Diagnostics Nichols Institute San Juan Capistrano
Classification: Pathogenic. Last evaluated: 2023-07-11. Review status: criteria provided, single submitter. Criteria: Quest Diagnostics criteria. Collection method: clinical testing. Allele origin: unknown. Not counted in ClinVar's aggregate classification.
Comment: This variant alters the translational reading frame of the BRCA1 mRNA and causes the premature termination of BRCA1 protein synthesis. In the published literature, this variant has been reported in individuals with breast cancer (PMID: 35918668 (2022), 35220195 (2022), 34290354 (2021), 32733560 (2020), 29470806 (2018), 29176636 (2018)) and endometrial cancer (PMID: 31492746 (2019)). This variant has not been reported in large, multi-ethnic general populations (Genome Aggregation Database). Based on the available information, this variant is classified as pathogenic.

Institute for Genomic Medicine (IGM) Clinical Laboratory, Nationwide Children's Hospital
Classification: Pathogenic for Hereditary cancer-predisposing syndrome. Last evaluated: 2023-03-13. Review status: criteria provided, single submitter. Criteria: ACMG Guidelines, 2015. Collection method: clinical testing. Allele origin: germline. Not counted in ClinVar's aggregate classification.
Comment: This variant is predicted to result in loss of function through nonsense-mediated decay of the encoded transcript or premature truncation of the encoded protein in a gene in which loss of function is a known mechanism of disease (ACMG/AMP: PVS1; PMIDs:20104584, 26515461, 29133208). This variant has been reported at an elevated frequency in affected individuals/in multiple affected individuals in the literature (ACMG/AMP: PS4; PMIDs:8807330, 16998791, 24916970, 10952777, 29339979). This variant is absent from or present at an exceedingly low frequency in gnomAD, a large-scale control population database (ACMG/AMP: PM2).

Clinical Genetics Laboratory, Skane University Hospital Lund
Classification: Pathogenic. Last evaluated: 2022-05-27. Review status: criteria provided, single submitter. Criteria: ACMG Guidelines, 2015. Collection method: clinical testing. Allele origin: germline. Affected: yes. Not counted in ClinVar's aggregate classification.

Revvity Omics, Revvity
Classification: Pathogenic. Last evaluated: 2022-02-15. Review status: criteria provided, single submitter. Criteria: ACMG Guidelines, 2015. Collection method: clinical testing. Allele origin: germline. Not counted in ClinVar's aggregate classification.

Sema4
Classification: Pathogenic for Hereditary cancer-predisposing syndrome. Last evaluated: 2021-12-20. Review status: criteria provided, single submitter. Criteria: Sema4 Curation Guidelines. Collection method: curation. Allele origin: germline. Not counted in ClinVar's aggregate classification.
Comment: The BRCA1 c.66dupA (p.E23Rfs*18) variant has been reported in heterozygosity in at least numerous individuals with Hereditary Breast and Ovarian Cancer Syndrome (PMID: 27553291, 28176296, 29176636, 29339979, 32733560). This variant causes a frameshift at amino acid 23 that results in premature termination 18 amino acids downstream. Loss of function variants in BRCA1 or BRCA2 are known to be pathogenic (PMID: 29446198). It was not observed in the large and broad cohorts of the Genome Aggregation Database. The variant has been reported in ClinVar (Variation ID 37691). Based on the current evidence available, this variant is interpreted as pathogenic.

National Health Laboratory Service, Universitas Academic Hospital and University of the Free State
Classification: Pathogenic for Hereditary breast ovarian cancer syndrome. Last evaluated: 2021-11-16. Review status: criteria provided, single submitter. Criteria: ACMG Guidelines, 2015. Collection method: clinical testing. Allele origin: germline. Affected: yes. Observed: 3 variant alleles. Not counted in ClinVar's aggregate classification.

Department of Molecular Diagnostics, Institute of Oncology Ljubljana
Classification: Pathogenic for Breast-ovarian cancer, familial, susceptibility to, 1. Last evaluated: 2020-04-02. Review status: criteria provided, single submitter. Criteria: ACMG Guidelines, 2015. Collection method: clinical testing. Allele origin: germline. Affected: yes. Not counted in ClinVar's aggregate classification.

GeneKor MSA
Classification: Pathogenic. Last evaluated: 2020-01-01. Review status: criteria provided, single submitter. Criteria: ACMG Guidelines, 2015. Collection method: clinical testing. Allele origin: germline. Not counted in ClinVar's aggregate classification.
Comment: This sequence change inserts one nucleotide in exon 2 of BRCA1 mRNA (c.66dupA), causing a frameshift at codon 23 and the creation of a premature translation stop signal 18 amino acid residues later. This is expected to result in an absent or disrupted protein product. Truncating variants in BRCA1 are known to be pathogenic. This variant is also known as 185insA in the literature and it has been reported in the literature in individuals and families with breast and/or ovarian cancer (PMID: 8595420, 20189727, 24916970, 16998791). The mutation database ClinVar contains entries for this variant (Variation ID: 37691).

Clinical and Functional Genomics Group, A.C.Camargo Cancer Center
Classification: Pathogenic for Hereditary Breast Carcinoma. Last evaluated: 2019-01-30. Review status: criteria provided, single submitter. Criteria: Submitter's publication. Collection method: research. Allele origin: germline. Affected: yes. Observed: 1 variant allele. Not counted in ClinVar's aggregate classification.

Mendelics
Classification: Pathogenic for Hereditary breast and ovarian cancer syndrome. Last evaluated: 2018-07-02. Review status: criteria provided, single submitter. Criteria: Mendelics Assertion Criteria 2017. Collection method: clinical testing. Allele origin: unknown. Not counted in ClinVar's aggregate classification.

Women's Health and Genetics/Laboratory Corporation of America, LabCorp
Classification: Pathogenic for Hereditary breast ovarian cancer syndrome. Last evaluated: 2016-06-14. Review status: criteria provided, single submitter. Criteria: LabCorp Variant Classification Summary - May 2015. Collection method: clinical testing. Allele origin: germline. Not counted in ClinVar's aggregate classification.
Comment: Variant summary: The BRCA1 c.66dupA (p.Glu23Asnfs) variant results in a premature termination codon, predicted to cause a truncated or absent BRCA1 protein due to nonsense mediated decay, which are commonly known mechanisms for disease. Truncations downstream of this position have been classified as pathogenic by our laboratory (e.g. p.Gln60X, p.Tyr101X, p.Glu143X, etc.). This variant is absent in 120930 control chromosomes from ExAC. The variant is a recurrent pathogenic variant found in several HBOC patients/families and in individuals undergoing BRCA1/2 testing. In addition, several clinical diagnostic laboratories/reputable databases have classified this variant as pathogenic. Taken together, this variant is classified as Pathogenic.

Laboratory of Molecular Diagnosis of Cancer, West China Hospital, Sichuan University
Classification: Pathogenic for Breast neoplasm. Last evaluated: 2015-11-01. Review status: criteria provided, single submitter. Criteria: ACMG Guidelines, 2015. Collection method: research. Allele origin: germline. Affected: yes. Observed: 1 variant allele. Not counted in ClinVar's aggregate classification.

Consortium of Investigators of Modifiers of BRCA1/2 (CIMBA), c/o University of Cambridge
Classification: Pathogenic for Breast-ovarian cancer, familial, susceptibility to, 1. Last evaluated: 2015-10-02. Review status: criteria provided, single submitter. Criteria: CIMBA Mutation Classification guidelines May 2016. Collection method: clinical testing. Allele origin: germline. Not counted in ClinVar's aggregate classification.

Department of Medical Genetics, Oslo University Hospital
Classification: Pathogenic for Breast-ovarian cancer, familial, susceptibility to, 1. Last evaluated: 2015-07-01. Review status: criteria provided, single submitter. Criteria: ACMG Guidelines, 2015. Collection method: clinical testing. Allele origin: germline. Affected: yes. Observed: 12 variant alleles. Not counted in ClinVar's aggregate classification.